The following is an entry in ClinVar:

NM_001165963.4(SCN1A):c.4584C>A (p.Asn1528Lys)

Genes: SCN1A (sodium voltage-gated channel alpha subunit 1; minus strand), LOC102724058 (uncharacterized LOC102724058; plus strand). Cytogenetic location: 2q24.3.
Variant type: single nucleotide variant.
Coding change: c.4584C>A on transcript NM_001165963.4 (MANE Select); coding-DNA position 4584, C replaced by A.
Protein change: p.Asn1528Lys; replaces asparagine 1528 with lysine.
Molecular consequence: missense variant. On other transcripts: non-coding transcript variant (1).
Genome position (GRCh38, 1-based): chr2:165,994,414, G>T on the plus strand (C>A on the coding strand, the complement: SCN1A is on the minus strand). VCF-style: chr2-165994414-G-T. GRCh37 (hg19) VCF-style: chr2-166850924-G-T.
Other names: p.N1528K:AAC>AAA; c.4500C>A, p.Asn1500Lys (NM_001165964.3, NM_001353957.2, NM_001353958.2); c.4584C>A, p.Asn1528Lys (NM_001202435.3, NM_001353948.2); c.4551C>A, p.Asn1517Lys (NM_001353949.2, NM_001353950.2, NM_001353951.2 and 2 more transcripts); c.4548C>A, p.Asn1516Lys (NM_001353954.2, NM_001353955.2); c.4497C>A, p.Asn1499Lys (NM_001353960.2); c.2142C>A, p.Asn714Lys (NM_001353961.2); short protein forms N1517K, N1528K, N714K, N1500K, N1499K, N1516K.
Identifiers: ClinVar variation 93653 (VCV000093653.14), dbSNP rs398123597, ClinGen allele CA221595.

ClinVar aggregate classification (germline): Conflicting classifications of pathogenicity. Review status: criteria provided, conflicting classifications (1 of 4 stars). 3 submissions from 3 submitters: Pathogenic (1); Uncertain significance (2). Last evaluated 2026-10-03.

Conditions:
Early-infantile DEE. Also called: Early infantile epileptic encephalopathy with suppression bursts; Ohtahara syndrome; Early infantile epileptic encephalopathy. Identifiers: Orphanet 1934, MedGen C0393706, MONDO:0800491.

Submissions (3):

GeneDx
Classification: Uncertain significance. Last evaluated: 2026-10-03. Review status: criteria provided, single submitter. Criteria: GeneDx Variant Classification Process June 2021. Collection method: clinical testing. Allele origin: germline.
Comment: Not observed at significant frequency in large population cohorts (gnomAD); In silico analysis supports that this missense variant has a deleterious effect on protein structure/function; Has not been previously published as pathogenic or benign to our knowledge; This substitution is predicted to be within the cytoplasmic loop between the third and fourth homologous domains; This variant is associated with the following publications: (PMID: 28012175)

Labcorp Genetics (formerly Invitae), Labcorp
Classification: Pathogenic for Early-infantile DEE. Last evaluated: 2024-11-18. Review status: criteria provided, single submitter. Criteria: Invitae Variant Classification Sherloc (09022015). Collection method: clinical testing. Allele origin: germline.
Comment: This sequence change replaces asparagine, which is neutral and polar, with lysine, which is basic and polar, at codon 1528 of the SCN1A protein (p.Asn1528Lys). This variant is not present in population databases (gnomAD no frequency). This missense change has been observed in individual(s) with autosomal dominant SCN1A-related conditions (PMID: 28012175; internal data). It has also been observed to segregate with disease in related individuals. ClinVar contains an entry for this variant (Variation ID: 93653). An algorithm developed to predict the effect of missense changes on protein structure and function (PolyPhen-2) suggests that this variant is likely to be disruptive. For these reasons, this variant has been classified as Pathogenic.

Eurofins Ntd Llc (ga)
Classification: Uncertain significance. Last evaluated: 2013-09-20. Review status: criteria provided, single submitter. Criteria: EGL Classification Definitions 2015. Collection method: clinical testing. Allele origin: germline. Observed: 2 variant alleles, 2 heterozygotes.

Literature cited by the submitters: PubMed 28012175 (cited by Labcorp Genetics (formerly Invitae), Labcorp).